The following is an entry in ClinVar:

ClinVar aggregate classification (germline): Uncertain significance. Review status: criteria provided, multiple submitters, no conflicts (2 of 4 stars). 3 submissions from 3 submitters: Uncertain significance (3). Last evaluated 2026-09-14.

Conditions:
Cardiovascular phenotype. Identifiers: MedGen CN230736.

Allele frequency attached by ClinVar (database versions not stated): TOPMed 0.00001; ExAC 0.00010.
gnomAD v4.1: 27 of 1,550,254 alleles (0.0017%); highest among the groups gnomAD compares: South Asian, 0.0071%; no homozygotes.

Submissions (3):

GeneDx
Classification: Uncertain significance. Last evaluated: 2026-09-14. Review status: criteria provided, single submitter. Criteria: GeneDx Variant Classification Process June 2021. Collection method: clinical testing. Allele origin: germline.
Comment: Not observed at significant frequency in large population cohorts (gnomAD); In silico analysis suggests that this missense variant does not alter protein structure/function; Has not been previously published as pathogenic or benign to our knowledge

Mayo Clinic Laboratories, Mayo Clinic
Classification: Uncertain significance. Last evaluated: 2025-08-14. Review status: criteria provided, single submitter. Criteria: ACMG Guidelines, 2015. Collection method: clinical testing. Allele origin: germline. Observed: 1 variant allele.
Comment: BP4_strong

Ambry Genetics
Classification: Uncertain significance for Cardiovascular phenotype. Last evaluated: 2024-12-25. Review status: criteria provided, single submitter. Criteria: Ambry Variant Classification Scheme 2023. Collection method: clinical testing. Allele origin: germline.

NM_001367624.2(ZNF469):c.7628G>A (p.Arg2543Gln)

Gene: ZNF469 (zinc finger protein 469; plus strand). Cytogenetic location: 16q24.2.
Variant type: single nucleotide variant.
Coding change: c.7628G>A on transcript NM_001367624.2 (MANE Select); coding-DNA position 7628, G replaced by A.
Protein change: p.Arg2543Gln; replaces arginine 2543 with glutamine.
Molecular consequence: missense variant.
Genome position (GRCh38, 1-based): chr16:88,435,098, G>A. VCF-style: chr16-88435098-G-A. GRCh37 (hg19) VCF-style: chr16-88501506-G-A.
Other names: NM_001127464.1:c.7544G>A; p.Arg2543Gln; short protein forms R2543Q.
Identifiers: ClinVar variation 426492 (VCV000426492.6), dbSNP rs771550262, ClinGen allele CA8225270.
Genomic context (GRCh38, chr16:88,435,098, plus strand): 5'-GCCAGCCGCCCAGGAAGAAAAGCCACAGGGTGTCTGGGAAGGAGAGACCAAATCACTCAC[G>A]GGGAGACCCCAGCCACGTCACCCAGCCACCGCCTGCCCAGGGCTCAAAGGAGGTTCTCAG-3'
Protein context (NP_001354553.1, residues 2533-2553): VSGKERPNHS[Arg2543Gln]GDPSHVTQPP